The following is an entry in ClinVar:

NM_001167.4(XIAP):c.134C>G (p.Ser45Ter)

Gene: XIAP (X-linked inhibitor of apoptosis; plus strand). Cytogenetic location: Xq25.
Variant type: single nucleotide variant.
Coding change: c.134C>G on transcript NM_001167.4 (MANE Select); coding-DNA position 134, C replaced by G.
Protein change: p.Ser45Ter; replaces serine 45 with a stop codon.
Molecular consequence: nonsense.
Genome position (GRCh38, 1-based): chrX:123,885,796, C>G. VCF-style: chrX-123885796-C-G. GRCh37 (hg19) VCF-style: chrX-123019646-C-G.
Other names: c.134C>G, p.Ser45Ter (NM_001204401.2, NM_001378590.1, NM_001378591.1 and 1 more transcripts); short protein forms S45*.
Identifiers: ClinVar variation 4724792 (VCV004724792.1).

ClinVar aggregate classification (germline): Pathogenic (1 of 4 stars; one submission).

Conditions:
X-linked lymphoproliferative disease due to XIAP deficiency. Also called: XIAP DEFICIENCY; XIAP-Related Lymphoproliferative Disease, X-Linked. Identifiers: Orphanet 2442, Orphanet 538934, MedGen C1845076, MONDO:0010385, OMIM 300635.

Submission:

Labcorp Genetics (formerly Invitae), Labcorp
Classification: Pathogenic for X-linked lymphoproliferative disease due to XIAP deficiency. Last evaluated: 2025-08-10. Review status: criteria provided, single submitter. Criteria: Invitae Variant Classification Sherloc (09022015). Collection method: clinical testing. Allele origin: germline.
Comment: This sequence change creates a premature translational stop signal (p.Ser45*) in the XIAP gene. It is expected to result in an absent or disrupted protein product. Loss-of-function variants in XIAP are known to be pathogenic (PMID: 17080092, 21119115, 25666262). This variant is not present in population databases (gnomAD no frequency). This variant has not been reported in the literature in individuals affected with XIAP-related conditions. For these reasons, this variant has been classified as Pathogenic.

Literature cited by the submitters: PubMed 17080092; PubMed 21119115; PubMed 25666262.